The following is an entry in ClinVar:

ClinVar aggregate classification (germline): Uncertain significance. Review status: criteria provided, multiple submitters, no conflicts (2 of 4 stars). 3 submissions from 3 submitters: Uncertain significance (3). Last evaluated 2026-01-26.

Conditions:
Inborn genetic diseases. Identifiers: MedGen C0950123, MeSH D030342.
Leber congenital amaurosis 8 (LCA8). Identifiers: Orphanet 65, MedGen C3151202, MONDO:0013453, OMIM 613835.
Retinitis pigmentosa 12 (RP12). Also called: RP WITH OR WITHOUT PRESERVED PARAARTERIOLE RETINAL PIGMENT EPITHELIUM; RETINITIS PIGMENTOSA WITH OR WITHOUT PARAARTERIOLAR PRESERVATION OF RETINAL PIGMENT EPITHELIUM; RP WITH OR WITHOUT PPRPE. Identifiers: Orphanet 791, MedGen C1838647, MONDO:0010818, OMIM 600105.

Allele frequency attached by ClinVar (database versions not stated): gnomAD exomes below 0.00001; ExAC 0.00001; gnomAD 0.00001; TOPMed 0.00002; ESP Exome Variant Server 0.00008.
gnomAD v4.1: 8 of 1,613,888 alleles (0.0005%); highest among the groups gnomAD compares: South Asian, 0.0011%; no homozygotes.

Submissions (3):

Labcorp Genetics (formerly Invitae), Labcorp
Classification: Uncertain significance for Leber congenital amaurosis 8; Retinitis pigmentosa 12. Last evaluated: 2026-01-26. Review status: criteria provided, single submitter. Criteria: Invitae Variant Classification Sherloc (09022015). Collection method: clinical testing. Allele origin: germline.
Comment: This sequence change replaces proline, which is neutral and non-polar, with threonine, which is neutral and polar, at codon 941 of the CRB1 protein (p.Pro941Thr). This variant is not present in population databases (gnomAD no frequency). This variant has not been reported in the literature in individuals affected with CRB1-related conditions. ClinVar contains an entry for this variant (Variation ID: 1422543). Invitae Evidence Modeling of protein sequence and biophysical properties (such as structural, functional, and spatial information, amino acid conservation, physicochemical variation, residue mobility, and thermodynamic stability) indicates that this missense variant is expected to disrupt CRB1 protein function with a positive predictive value of 80%. In summary, the available evidence is currently insufficient to determine the role of this variant in disease. Therefore, it has been classified as a Variant of Uncertain Significance.

Ambry Genetics
Classification: Uncertain significance for Inborn genetic diseases. Last evaluated: 2025-08-23. Review status: criteria provided, single submitter. Criteria: Ambry Variant Classification Scheme 2023. Collection method: clinical testing. Allele origin: germline.

Blueprint Genetics
Classification: Uncertain significance. Last evaluated: 2022-02-07. Review status: criteria provided, single submitter. Criteria: ACMG Guidelines, 2015. Collection method: clinical testing. Allele origin: germline.

NM_201253.3(CRB1):c.2821C>A (p.Pro941Thr)

Gene: CRB1 (crumbs cell polarity complex component 1; plus strand). Cytogenetic location: 1q31.3.
Variant type: single nucleotide variant.
Coding change: c.2821C>A on transcript NM_201253.3 (MANE Select); coding-DNA position 2821, C replaced by A.
Protein change: p.Pro941Thr; replaces proline 941 with threonine.
Molecular consequence: missense variant. On other transcripts: non-coding transcript variant (2), intron variant (1).
Genome position (GRCh38, 1-based): chr1:197,429,593, C>A. VCF-style: chr1-197429593-C-A. GRCh37 (hg19) VCF-style: chr1-197398723-C-A.
Other names: c.2821C>A (NM_201253.2); c.2485C>A, p.Pro829Thr (NM_001193640.2); c.2749C>A, p.Pro917Thr (NM_001257965.2); c.2129-6007C>A (NM_001257966.2); short protein forms P941T, P829T, P917T.
Identifiers: ClinVar variation 1422543 (VCV001422543.8), dbSNP rs374914600, ClinGen allele CA1312212.
Genomic context (GRCh38, chr1:197,429,593, plus strand): 5'-GCCTGTGAGGAGGTTCAGTGGTGTGGATTCAGCCCGTGTCCTCACGGAGCCCAGTGCCAG[C>A]CGGTGCTTCAAGGATTTGAATGTAGGTAGAGTTCAAACCTACCATCTCACCAGTTAAGTT-3'
Protein context (NP_957705.1, residues 931-951): SPCPHGAQCQ[Pro941Thr]VLQGFECIAN